The following is an entry in ClinVar:

NM_000059.4(BRCA2):c.6839T>C (p.Val2280Ala)

Gene: BRCA2 (BRCA2 DNA repair associated; plus strand). Cytogenetic location: 13q13.1.
Variant type: single nucleotide variant.
Coding change: c.6839T>C on transcript NM_000059.4 (MANE Select); coding-DNA position 6839, T replaced by C.
Protein change: p.Val2280Ala; replaces valine 2280 with alanine.
Molecular consequence: missense variant.
Genome position (GRCh38, 1-based): chr13:32,341,194, T>C. VCF-style: chr13-32341194-T-C. GRCh37 (hg19) VCF-style: chr13-32915331-T-C.
Other names: short protein forms V2280A.
Identifiers: ClinVar variation 619647 (VCV000619647.10), dbSNP rs1566235479, ClinGen allele CA387791511.

ClinVar aggregate classification (germline): Conflicting classifications of pathogenicity. Review status: criteria provided, conflicting classifications (1 of 4 stars). 6 submissions from 6 submitters: Uncertain significance (4); Likely benign (2). Last evaluated 2024-12-04.

Conditions:
Hereditary breast ovarian cancer syndrome. Also called: Hereditary breast and ovarian cancer; Hereditary breast and ovarian cancer syndrome (HBOC); Breast and ovarian cancer; BRCA1- and BRCA2-Associated Hereditary Breast and Ovarian Cancer; Hereditary breast and/or ovarian cancer syndrome; Hereditary breast and ovarian cancer syndrome. Identifiers: Orphanet 145, MedGen C0677776, MeSH D061325, MONDO:0003582. Disease mechanism: loss of function.
BRCA2-related cancer predisposition. Identifiers: MedGen CN377758, MONDO:0700269.
Hereditary cancer-predisposing syndrome. Also called: Neoplastic Syndromes, Hereditary; Hereditary neoplastic syndrome; Tumor predisposition; Hereditary Cancer Syndrome. Identifiers: Orphanet 140162, MedGen C0027672, MeSH D009386, MONDO:0015356.

Allele frequency attached by ClinVar (database versions not stated): gnomAD exomes below 0.00001.
gnomAD v4.1: 2 of 1,613,924 alleles (0.00012%); highest among the groups gnomAD compares: African/African-American, 0.0027%; no homozygotes.

Submissions (6):

GeneDx
Classification: Uncertain significance. Last evaluated: 2024-12-04. Review status: criteria provided, single submitter. Criteria: GeneDx Variant Classification Process June 2021. Collection method: clinical testing. Allele origin: germline. Affected: yes.
Comment: Not observed at significant frequency in large population cohorts (gnomAD); In silico analysis indicates that this missense variant does not alter protein structure/function; Observed in a family with a history of breast and/or ovarian cancer (PMID: 27062684); Also known as 7067T>C; This variant is associated with the following publications: (PMID: 27062684)

All of Us Research Program, National Institutes of Health
Classification: Uncertain significance for BRCA2-related cancer predisposition. Last evaluated: 2024-03-05. Review status: criteria provided, single submitter. Criteria: ACMG Guidelines, 2015. Collection method: clinical testing. Allele origin: germline. Inheritance: Autosomal dominant inheritance. Observed: 1 variant allele, 1 heterozygote.
Comment: This study involves interpretation of variants in research participants for the purpose of population health screening. Participant phenotype was not available at the time of variant classification. Additional details can be found in publication PMID: 35346344, PMCID: PMC8962531

German Consortium for Hereditary Breast and Ovarian Cancer, University Hospital Cologne
Classification: Likely benign for Hereditary breast ovarian cancer syndrome. Last evaluated: 2023-12-19. Review status: criteria provided, single submitter. Criteria: ClinGen BRCA2 V1.0.0. Collection method: curation. Allele origin: germline.
Comment: coldspot variant. According to the ClinGen ENIGMA BRCA2 v1.0.0 criteria we chose these criteria: PM2 (supporting pathogenic): not in gnomAD, BP1 (strong benign): Apply BP1_Strong for silent substitution, missense or in-frame insertion, deletion ordelins variants outside a (potentially) clinically important functional domain AND nosplicing predicted (SpliceAI ≤0.1).

Ambry Genetics
Classification: Likely benign for Hereditary cancer-predisposing syndrome. Last evaluated: 2021-05-26. Review status: criteria provided, single submitter. Criteria: Ambry Variant Classification Scheme 2023. Collection method: clinical testing. Allele origin: germline.

Color Diagnostics, LLC DBA Color Health
Classification: Uncertain significance for Hereditary cancer-predisposing syndrome. Last evaluated: 2019-05-30. Review status: criteria provided, single submitter. Criteria: ACMG Guidelines, 2015. Collection method: clinical testing. Allele origin: germline.

Quest Diagnostics Nichols Institute San Juan Capistrano
Classification: Uncertain significance. Last evaluated: 2017-10-05. Review status: criteria provided, single submitter. Criteria: Quest Diagnostics criteria. Collection method: clinical testing. Allele origin: germline.